The following is an entry in ClinVar:

NM_000169.3(GLA):c.1059_1061del (p.Met353del)

Genes: GLA (galactosidase alpha; minus strand), RPL36A-HNRNPH2 (RPL36A-HNRNPH2 readthrough; plus strand). Cytogenetic location: Xq22.1.
Variant type: Deletion.
Coding change: c.1059_1061del on transcript NM_000169.3 (MANE Select); coding-DNA positions 1059 to 1061, 3 bases deleted (GAT; older notation c.1059_1061delGAT).
Protein change: p.Met353del; deletes methionine 353.
Molecular consequence: inframe deletion. On other transcripts: non-coding transcript variant (3), intron variant (2).
Genome position (GRCh38, 1-based): chrX:101,398,038-101,398,040, ATC deleted on the plus strand (GAT on the coding strand, the reverse complement: GLA is on the minus strand); deleting any 3 consecutive bases within chrX:101,398,038-101,398,042 gives the same sequence; the c. name uses the placement nearest the transcript's 3' end. VCF-style (leftmost placement, unchanged base first): chrX-101398037-TATC-T. GRCh37 (hg19) VCF-style: chrX-100653025-TATC-T.
Other names: c.1182_1184del, p.Met394del (NM_001406747.1); c.300+2583_300+2585del (NM_001199973.2); c.177+6218_177+6220del (NM_001199974.2); short protein forms M353del, M394del.
Identifiers: ClinVar variation 4087157 (VCV004087157.3).

ClinVar aggregate classification (germline): Conflicting classifications of pathogenicity. Review status: criteria provided, conflicting classifications (1 of 4 stars). 2 submissions from 2 submitters: Likely pathogenic (1); Uncertain significance (1). Last evaluated 2026-09-08.

Conditions:
Fabry disease. Also called: ALPHA-GALACTOSIDASE A DEFICIENCY; ANDERSON-FABRY DISEASE; CERAMIDE TRIHEXOSIDASE DEFICIENCY; GLA DEFICIENCY; HEREDITARY DYSTOPIC LIPIDOSIS; Angiokeratoma corporis diffusum. Identifiers: Orphanet 324, MedGen C0002986, MONDO:0010526, OMIM 301500, HP:0001071. Disease mechanism: Fabry disease is due to inactivating mutations in the X-linked GLA gene resulting in deficiency of the enzyme Alpha Galactosidase-A., loss of function.

Submissions (2):

Genomenon, Inc
Classification: Uncertain significance for Fabry disease. Last evaluated: 2026-09-08. Review status: criteria provided, single submitter. Criteria: Genomenon Sequence Variant Interpretation Standards - Updated. Collection method: curation. Allele origin: germline. Affected: yes.
Comment: GLA p.Met353del (c.1059_1061del) is an in-frame deletion that results in the loss of Methionine at codon 353. This variant has been observed in at least one proband with clinical features consistent with Fabry disease (PMID:36816376). The variant was found to segregate with disease in at least one affected family (PMID:36816376). Functional or patient cell studies have been reported (PMID:36816376). It is absent or not present at a significant frequency in gnomAD. In conclusion, we classify GLA p.Met353del (c.1059_1061del) as a variant of uncertain significance.

Medical and Scientific Branch, Hong Kong Genome Institute
Classification: Likely pathogenic for Fabry disease. Last evaluated: 2026-01-26. Review status: criteria provided, single submitter. Criteria: ACMG Guidelines, 2015. Collection method: clinical testing. Allele origin: unknown. Affected: yes.

Literature cited by the submitters: PubMed 36816376 (cited by Genomenon, Inc).